The following is an entry in ClinVar:

NM_007315.4(STAT1):c.1256C>G (p.Thr419Arg)

Gene: STAT1 (signal transducer and activator of transcription 1; minus strand). Cytogenetic location: 2q32.2.
Variant type: single nucleotide variant.
Coding change: c.1256C>G on transcript NM_007315.4 (MANE Select); coding-DNA position 1256, C replaced by G.
Protein change: p.Thr419Arg; replaces threonine 419 with arginine.
Molecular consequence: missense variant.
Genome position (GRCh38, 1-based): chr2:190,985,626, G>C on the plus strand (C>G on the coding strand, the complement: STAT1 is on the minus strand). VCF-style: chr2-190985626-G-C. GRCh37 (hg19) VCF-style: chr2-191850352-G-C.
Other names: c.1196C>G, p.Thr399Arg (NM_001384880.1); c.1262C>G, p.Thr421Arg (NM_001384881.1, NM_001384884.1); c.1250C>G, p.Thr417Arg (NM_001384882.1); c.1157C>G, p.Thr386Arg (NM_001384883.1); c.1097C>G, p.Thr366Arg (NM_001384885.1); c.1256C>G, p.Thr419Arg (NM_001384886.1, NM_001384889.1, NM_139266.3); c.1163C>G, p.Thr388Arg (NM_001384887.1); c.1226C>G, p.Thr409Arg (NM_001384888.1); and 2 more; short protein forms T419R, T366R, T386R, T388R, T389R, T399R, T409R, T417R.
Identifiers: ClinVar variation 650110 (VCV000650110.12), dbSNP rs1347113886, ClinGen allele CA349918415.

ClinVar aggregate classification (germline): Uncertain significance. Review status: criteria provided, multiple submitters, no conflicts (2 of 4 stars). 2 submissions from 2 submitters: Uncertain significance (2). Last evaluated 2022-08-09.

Conditions:
Immunodeficiency 31B. Also called: STAT1 DEFICIENCY, AUTOSOMAL RECESSIVE; IMMUNODEFICIENCY 31B, MYCOBACTERIAL AND VIRAL INFECTIONS, AUTOSOMAL RECESSIVE. Identifiers: Orphanet 391311, MedGen C3151088, MONDO:0013427, OMIM 613796.
Autoimmune enteropathy and endocrinopathy - susceptibility to chronic infections syndrome. Also called: Immunodeficiency 31C; Immunodeficiency 31C, autosomal dominant. Identifiers: Orphanet 391487, MedGen C3279990, MONDO:0013599, OMIM 614162.
Mendelian susceptibility to mycobacterial diseases due to partial STAT1 deficiency. Also called: IMMUNODEFICIENCY 31A, MYCOBACTERIOSIS, AUTOSOMAL DOMINANT; STAT1 DEFICIENCY, AUTOSOMAL DOMINANT; Immunodeficiency 31a. Identifiers: Orphanet 319595, MedGen C4013950, MONDO:0013956, OMIM 614892.

Submissions (2):

Labcorp Genetics (formerly Invitae), Labcorp
Classification: Uncertain significance for Mendelian susceptibility to mycobacterial diseases due to partial STAT1 deficiency; Immunodeficiency 31B; Autoimmune enteropathy and endocrinopathy - susceptibility to chronic infections syndrome. Last evaluated: 2022-08-09. Review status: criteria provided, single submitter. Criteria: Invitae Variant Classification Sherloc (09022015). Collection method: clinical testing. Allele origin: germline.
Comment: This missense change has been observed in individual(s) with chronic mucocutaneous candidiasis (PMID: 27114460). This variant is not present in population databases (gnomAD no frequency). This sequence change replaces threonine, which is neutral and polar, with arginine, which is basic and polar, at codon 419 of the STAT1 protein (p.Thr419Arg). In summary, the available evidence is currently insufficient to determine the role of this variant in disease. Therefore, it has been classified as a Variant of Uncertain Significance. Experimental studies have shown that this missense change affects STAT1 function (PMID: 32582194, 33679782). Algorithms developed to predict the effect of missense changes on protein structure and function are either unavailable or do not agree on the potential impact of this missense change (SIFT: "Tolerated"; PolyPhen-2: "Possibly Damaging"; Align-GVGD: "Class C0"). ClinVar contains an entry for this variant (Variation ID: 650110).

Illumina Laboratory Services, Illumina
Classification: Uncertain significance for Autoimmune enteropathy and endocrinopathy - susceptibility to chronic infections syndrome. Last evaluated: 2019-02-21. Review status: criteria provided, single submitter. Criteria: ICSLVariantClassificationCriteria RUGD 01 April 2020. Collection method: clinical testing. Allele origin: unknown.
Comment: The STAT1 c.1256C>G (p.Thr419Arg) variant is a missense variant that has been reported in one study and identified in two related individuals in a heterozygous state (Toubiana et al. 2016). The two individuals have a clinical diagnosis of chronic mucocutaneous candidiasis (CMC). Control data are unavailable for this variant and it has not been reported in the Genome Aggregation Database in a region of good sequence coverage so the variant is presumed to be rare. The variant is located in the DNA-binding domain of the STAT1 protein; other variants in the domain have been found in individuals with CMC. Based on the limited evidence, the p.Thr419Arg variant is classified as a variant of uncertain significance for chronic mucocutaneous candidiasis disease.

Literature cited by the submitters: PubMed 27114460 (cited by Labcorp Genetics (formerly Invitae), Labcorp and Illumina Laboratory Services, Illumina); PubMed 32582194 (cited by Labcorp Genetics (formerly Invitae), Labcorp); PubMed 33679782 (cited by Labcorp Genetics (formerly Invitae), Labcorp).